The following is an entry in ClinVar:

NM_133433.4(NIPBL):c.4891C>G (p.Gln1631Glu)

Gene: NIPBL (NIPBL cohesin loading factor; plus strand). Cytogenetic location: 5p13.2.
Variant type: single nucleotide variant.
Coding change: c.4891C>G on transcript NM_133433.4 (MANE Select); coding-DNA position 4891, C replaced by G.
Protein change: p.Gln1631Glu; replaces glutamine 1631 with glutamic acid.
Molecular consequence: missense variant.
Genome position (GRCh38, 1-based): chr5:37,017,133, C>G. VCF-style: chr5-37017133-C-G. GRCh37 (hg19) VCF-style: chr5-37017235-C-G.
Other names: c.4891C>G, p.Gln1631Glu (NM_015384.5); short protein forms Q1631E.
Identifiers: ClinVar variation 3346260 (VCV003346260.1).
Genomic context (GRCh38, chr5:37,017,133, plus strand): 5'-GATTACCTTGGAACTGTTGCTGCACGGCTAAGAAAAGATGCTGTTACAAGCAAAATGGAT[C>G]AAGGATCTATAGAACGCATTTTAAAACAGGTACTAAGATAAAAGATTAAAATTATGGGAA-3'
Protein context (NP_597677.2, residues 1621-1641): RKDAVTSKMD[Gln1631Glu]GSIERILKQV

ClinVar aggregate classification (germline): Uncertain significance (0 of 4 stars; one submission).

Conditions:
NIPBL-related disorder. Also called: NIPBL-related condition.

Submission:

PreventionGenetics, part of Exact Sciences
Classification: Uncertain significance for NIPBL-related condition. Last evaluated: 2024-04-05. Review status: no assertion criteria provided. Collection method: clinical testing. Allele origin: germline.
Comment: The NIPBL c.4891C>G variant is predicted to result in the amino acid substitution p.Gln1631Glu. To our knowledge, this variant has not been reported in the literature or in a large population database, indicating this variant is rare. At this time, the clinical significance of this variant is uncertain due to the absence of conclusive functional and genetic evidence.